The following is an entry in ClinVar:

NM_152578.3(FMR1NB):c.35A>G (p.Asn12Ser)

Gene: FMR1NB (FMR1 neighbor; plus strand). Cytogenetic location: Xq27.3.
Variant type: single nucleotide variant.
Coding change: c.35A>G on transcript NM_152578.3 (MANE Select); coding-DNA position 35, A replaced by G.
Protein change: p.Asn12Ser; replaces asparagine 12 with serine.
Molecular consequence: missense variant.
Genome position (GRCh38, 1-based): chrX:147,981,437, A>G. VCF-style: chrX-147981437-A-G. GRCh37 (hg19) VCF-style: chrX-147062957-A-G.
Other names: short protein forms N12S.
Identifiers: ClinVar variation 2491674 (VCV002491674.26), dbSNP rs782656279, ClinGen allele CA10536521.

ClinVar aggregate classification (germline): Conflicting classifications of pathogenicity. Review status: criteria provided, conflicting classifications (1 of 4 stars). 2 submissions from 2 submitters: Uncertain significance (1); Likely benign (1). Last evaluated 2023-04-01.

Allele frequency attached by ClinVar (database versions not stated): gnomAD 0.00002; TOPMed 0.00002; gnomAD exomes 0.00004; ExAC 0.00010.

Submissions (2):

CeGaT Center for Human Genetics Tuebingen
Classification: Likely benign. Last evaluated: 2023-04-01. Review status: criteria provided, single submitter. Criteria: CeGaT Center For Human Genetics Tuebingen Variant Classification Criteria Version 2. Collection method: clinical testing. Allele origin: germline. Affected: yes. Observed: 1 variant allele.
Comment: FMR1NB: BP4, BS2

Ambry Genetics
Classification: Uncertain significance. Last evaluated: 2023-02-28. Review status: criteria provided, single submitter. Criteria: Ambry Variant Classification Scheme 2023. Collection method: clinical testing. Allele origin: germline.